The following is an entry in ClinVar:

ClinVar aggregate classification (germline): Uncertain significance (1 of 4 stars; one submission).

Conditions:
Joubert syndrome 23 (JBTS23). Identifiers: Orphanet 475, MedGen C4084822, MONDO:0014664, OMIM 616490.
Short-rib thoracic dysplasia 14 with polydactyly (SRTD14). Identifiers: Orphanet 397715, MedGen C4225286, MONDO:0014688, OMIM 616546.

Submission:

Labcorp Genetics (formerly Invitae), Labcorp
Classification: Uncertain significance for Joubert syndrome 23; Short-rib thoracic dysplasia 14 with polydactyly. Last evaluated: 2022-11-01. Review status: criteria provided, single submitter. Criteria: Invitae Variant Classification Sherloc (09022015). Collection method: clinical testing. Allele origin: germline.
Comment: This variant has not been reported in the literature in individuals affected with KIAA0586-related conditions. This variant is not present in population databases (gnomAD no frequency). This sequence change replaces valine, which is neutral and non-polar, with leucine, which is neutral and non-polar, at codon 734 of the KIAA0586 protein (p.Val734Leu). Advanced modeling of protein sequence and biophysical properties (such as structural, functional, and spatial information, amino acid conservation, physicochemical variation, residue mobility, and thermodynamic stability) performed at Invitae indicates that this missense variant is not expected to disrupt KIAA0586 protein function. In summary, the available evidence is currently insufficient to determine the role of this variant in disease. Therefore, it has been classified as a Variant of Uncertain Significance.

NM_001329943.3(KIAA0586):c.2041G>C (p.Val681Leu)

Gene: KIAA0586 (KIAA0586; plus strand). Cytogenetic location: 14q23.1.
Variant type: single nucleotide variant.
Coding change: c.2041G>C on transcript NM_001329943.3 (MANE Select); coding-DNA position 2041, G replaced by C.
Protein change: p.Val681Leu; replaces valine 681 with leucine.
Molecular consequence: missense variant.
Genome position (GRCh38, 1-based): chr14:58,461,142, G>C. VCF-style: chr14-58461142-G-C. GRCh37 (hg19) VCF-style: chr14-58927860-G-C.
Other names: c.2200G>C, p.Val734Leu (NM_001244189.2); c.1996G>C, p.Val666Leu (NM_001244190.2); c.1786G>C, p.Val596Leu (NM_001244191.2, NM_001329945.2, NM_001364700.1 and 1 more transcripts); c.1909G>C, p.Val637Leu (NM_001244192.2); c.1621G>C, p.Val541Leu (NM_001244193.2); c.2041G>C, p.Val681Leu (NM_001329944.2, NM_001329946.2, NM_001329947.2); c.1813G>C, p.Val605Leu (NM_014749.5); short protein forms V596L, V637L, V605L, V681L, V541L, V666L, V734L.
Identifiers: ClinVar variation 2130862 (VCV002130862.4), dbSNP rs2040292640, ClinGen allele CA389873114.